The following is an entry in ClinVar:

NM_001129820.2(SLFN14):c.1106C>G (p.Ser369Ter)

Genes: SLFN14 (schlafen family member 14; minus strand), LOC107985033 (uncharacterized LOC107985033; plus strand). Cytogenetic location: 17q12.
Variant type: single nucleotide variant.
Coding change: c.1106C>G on transcript NM_001129820.2 (MANE Select); coding-DNA position 1106, C replaced by G.
Protein change: p.Ser369Ter; replaces serine 369 with a stop codon.
Molecular consequence: nonsense. On other transcripts: non-coding transcript variant (2).
Genome position (GRCh38, 1-based): chr17:35,554,659, G>C on the plus strand (C>G on the coding strand, the complement: SLFN14 is on the minus strand). VCF-style: chr17-35554659-G-C. GRCh37 (hg19) VCF-style: chr17-33881678-G-C.
Other names: short protein forms S369*.
Identifiers: ClinVar variation 4292360 (VCV004292360.1).

ClinVar aggregate classification (germline): Uncertain significance (1 of 4 stars; one submission).

Conditions:
Platelet-type bleeding disorder 20 (BDPLT20). Identifiers: Orphanet 466806, MedGen C4310797, MONDO:0014830, OMIM 616913.

Submission:

3billion
Classification: Uncertain significance for Platelet-type bleeding disorder 20. Last evaluated: 2025-01-08. Review status: criteria provided, single submitter. Criteria: ACMG Guidelines, 2015. Collection method: clinical testing. Allele origin: germline. Affected: yes.
Comment: The variant is not observed in the gnomAD v4.1.0 dataset. Predicted Consequence/Location: Stop-gained (nonsense): predicted to result in a loss or disruption of normal protein function through nonsense-mediated decay (NMD) or protein truncation. Therefore, this variant is classified as VUS according to the recommendation of ACMG/AMP guideline.